The following is an entry in ClinVar:

ClinVar aggregate classification (germline): Likely benign (0 of 4 stars; one submission).

Conditions:
PLXNA3-related disorder. Also called: PLXNA3-related condition.

gnomAD v4.1: 18 of 1,206,825 alleles (0.0015%); highest among the groups gnomAD compares: Admixed American, 0.022%; no homozygotes.

Submission:

PreventionGenetics, part of Exact Sciences
Classification: Likely benign for PLXNA3-related condition. Last evaluated: 2024-04-02. Review status: no assertion criteria provided. Collection method: clinical testing. Allele origin: germline.
Comment: This variant is classified as likely benign based on ACMG/AMP sequence variant interpretation guidelines (Richards et al. 2015 PMID: 25741868, with internal and published modifications).

NM_017514.5(PLXNA3):c.3681G>A (p.Gly1227=)

Gene: PLXNA3 (plexin A3; plus strand). Cytogenetic location: Xq28.
Variant type: single nucleotide variant.
Coding change: c.3681G>A on transcript NM_017514.5 (MANE Select); coding-DNA position 3681, G replaced by A.
Protein change: p.Gly1227=; no amino-acid change (glycine 1227 retained).
Molecular consequence: synonymous variant.
Genome position (GRCh38, 1-based): chrX:154,467,862, G>A. VCF-style: chrX-154467862-G-A. GRCh37 (hg19) VCF-style: chrX-153696205-G-A.
Identifiers: ClinVar variation 3350847 (VCV003350847.1).